The following is an entry in ClinVar:

NM_000455.5(STK11):c.1180G>C (p.Gly394Arg)

Gene: STK11 (serine/threonine kinase 11; plus strand). Cytogenetic location: 19p13.3.
Variant type: single nucleotide variant.
Coding change: c.1180G>C on transcript NM_000455.5 (MANE Select); coding-DNA position 1180, G replaced by C.
Protein change: p.Gly394Arg; replaces glycine 394 with arginine.
Molecular consequence: missense variant.
Genome position (GRCh38, 1-based): chr19:1,226,525, G>C. VCF-style: chr19-1226525-G-C. GRCh37 (hg19) VCF-style: chr19-1226524-G-C.
Other names: short protein forms G394R.
Identifiers: ClinVar variation 458020 (VCV000458020.20), dbSNP rs768780695, ClinGen allele CA045760.

ClinVar aggregate classification (germline): Uncertain significance. Review status: criteria provided, multiple submitters, no conflicts (2 of 4 stars). 6 submissions from 6 submitters: Uncertain significance (6). Last evaluated 2024-09-23.

Conditions:
Hereditary cancer-predisposing syndrome. Also called: Hereditary Cancer Syndrome; Hereditary neoplastic syndrome; Tumor predisposition; Neoplastic Syndromes, Hereditary. Identifiers: Orphanet 140162, MedGen C0027672, MeSH D009386, MONDO:0015356.
Peutz-Jeghers syndrome (PJS). Also called: POLYPOSIS, HAMARTOMATOUS INTESTINAL; POLYPS-AND-SPOTS SYNDROME; Peutz-Jeghers polyposis; Periorificial lentiginosis syndrome. Identifiers: Orphanet 2869, MedGen C0031269, MeSH D010580, MONDO:0008280, OMIM 175200.
Melanoma, cutaneous malignant, susceptibility to, 1 (CMM1). Also called: B-K MOLE SYNDROME; MELANOMA, MALIGNANT; DYSPLASTIC NEVUS SYNDROME, HEREDITARY; FAMILIAL ATYPICAL MOLE-MALIGNANT MELANOMA SYNDROME. Identifiers: Orphanet 618, MedGen C1835047, MONDO:0007963, OMIM 155600.

Allele frequency attached by ClinVar (database versions not stated): TOPMed below 0.00001.

Submissions (6):

All of Us Research Program, National Institutes of Health
Classification: Uncertain significance for Peutz-Jeghers syndrome. Last evaluated: 2024-09-23. Review status: criteria provided, single submitter. Criteria: ACMG Guidelines, 2015. Collection method: clinical testing. Allele origin: germline. Inheritance: Autosomal dominant inheritance. Observed: 1 variant allele, 1 heterozygote.
Comment: This study involves interpretation of variants in research participants for the purpose of population health screening. Participant phenotype was not available at the time of variant classification. Additional details can be found in publication PMID: 35346344, PMCID: PMC8962531

Ambry Genetics
Classification: Uncertain significance for Hereditary cancer-predisposing syndrome. Last evaluated: 2024-06-03. Review status: criteria provided, single submitter. Criteria: Ambry Variant Classification Scheme 2023. Collection method: clinical testing. Allele origin: germline.
Comment: The p.G394R variant (also known as c.1180G>C), located in coding exon 9 of the STK11 gene, results from a G to C substitution at nucleotide position 1180. The glycine at codon 394 is replaced by arginine, an amino acid with dissimilar properties. This amino acid position is highly conserved in available vertebrate species. In addition, the in silico prediction for this alteration is inconclusive. Since supporting evidence is limited at this time, the clinical significance of this alteration remains unclear.

Baylor Genetics
Classification: Uncertain significance for Melanoma, cutaneous malignant, susceptibility to, 1. Last evaluated: 2023-11-08. Review status: criteria provided, single submitter. Criteria: ACMG Guidelines, 2015. Collection method: clinical testing. Allele origin: unknown.

Labcorp Genetics (formerly Invitae), Labcorp
Classification: Uncertain significance for Peutz-Jeghers syndrome. Last evaluated: 2023-09-10. Review status: criteria provided, single submitter. Criteria: Invitae Variant Classification Sherloc (09022015). Collection method: clinical testing. Allele origin: germline.
Comment: This missense change has been observed in individual(s) with rectal cancer (PMID: 28135145). This sequence change replaces glycine, which is neutral and non-polar, with arginine, which is basic and polar, at codon 394 of the STK11 protein (p.Gly394Arg). The frequency data for this variant in the population databases is considered unreliable, as metrics indicate poor data quality at this position in the gnomAD database. ClinVar contains an entry for this variant (Variation ID: 458020). Advanced modeling of protein sequence and biophysical properties (such as structural, functional, and spatial information, amino acid conservation, physicochemical variation, residue mobility, and thermodynamic stability) performed at Invitae indicates that this missense variant is not expected to disrupt STK11 protein function. In summary, the available evidence is currently insufficient to determine the role of this variant in disease. Therefore, it has been classified as a Variant of Uncertain Significance.

Genome-Nilou Lab
Classification: Uncertain significance for Peutz-Jeghers syndrome. Last evaluated: 2021-07-15. Review status: criteria provided, single submitter. Criteria: ACMG Guidelines, 2015. Collection method: clinical testing. Allele origin: germline. Affected: no.

Color Diagnostics, LLC DBA Color Health
Classification: Uncertain significance for Hereditary cancer-predisposing syndrome. Last evaluated: 2019-03-19. Review status: criteria provided, single submitter. Criteria: ACMG Guidelines, 2015. Collection method: clinical testing. Allele origin: germline.

Literature cited by the submitters: PubMed 28135145 (cited by Ambry Genetics and Labcorp Genetics (formerly Invitae), Labcorp).